The following is an entry in ClinVar:

NM_170606.3(KMT2C):c.12454G>C (p.Ala4152Pro)

Gene: KMT2C (lysine methyltransferase 2C; minus strand). Cytogenetic location: 7q36.1.
Variant type: single nucleotide variant.
Coding change: c.12454G>C on transcript NM_170606.3 (MANE Select); coding-DNA position 12454, G replaced by C.
Protein change: p.Ala4152Pro; replaces alanine 4152 with proline.
Molecular consequence: missense variant.
Genome position (GRCh38, 1-based): chr7:152,152,777, C>G on the plus strand (G>C on the coding strand, the complement: KMT2C is on the minus strand). VCF-style: chr7-152152777-C-G. GRCh37 (hg19) VCF-style: chr7-151849862-C-G.
Other names: short protein forms A4152P.
Identifiers: ClinVar variation 4822245 (VCV004822245.4).

ClinVar aggregate classification (germline): Uncertain significance (1 of 4 stars; one submission).

Submission:

CeGaT Center for Human Genetics Tuebingen
Classification: Uncertain significance. Last evaluated: 2026-03-01. Review status: criteria provided, single submitter. Criteria: CeGaT Center For Human Genetics Tuebingen Variant Classification Criteria Version 2. Collection method: clinical testing. Allele origin: germline. Affected: yes. Observed: 1 variant allele.
Comment: KMT2C: PM2, BP4